The following is an entry in ClinVar:

ClinVar aggregate classification (germline): Uncertain significance (1 of 4 stars; one submission).

Conditions:
Hereditary breast ovarian cancer syndrome. Also called: Hereditary breast and ovarian cancer; Hereditary breast and ovarian cancer syndrome; Breast and ovarian cancer; BRCA1- and BRCA2-Associated Hereditary Breast and Ovarian Cancer; Hereditary breast and ovarian cancer syndrome (HBOC); Hereditary breast and/or ovarian cancer syndrome. Identifiers: Orphanet 145, MedGen C0677776, MeSH D061325, MONDO:0003582. Disease mechanism: loss of function.

Submission:

Labcorp Genetics (formerly Invitae), Labcorp
Classification: Uncertain significance for Hereditary breast ovarian cancer syndrome. Last evaluated: 2025-06-23. Review status: criteria provided, single submitter. Criteria: Invitae Variant Classification Sherloc (09022015). Collection method: clinical testing. Allele origin: germline.
Comment: This sequence change replaces glutamine, which is neutral and polar, with arginine, which is basic and polar, at codon 3295 of the BRCA2 protein (p.Gln3295Arg). This variant is not present in population databases (gnomAD no frequency). This variant has not been reported in the literature in individuals affected with BRCA2-related conditions. ClinVar contains an entry for this variant (Variation ID: 2754925). Invitae Evidence Modeling of protein sequence and biophysical properties (such as structural, functional, and spatial information, amino acid conservation, physicochemical variation, residue mobility, and thermodynamic stability) indicates that this missense variant is not expected to disrupt BRCA2 protein function with a negative predictive value of 95%. In summary, the available evidence is currently insufficient to determine the role of this variant in disease. Therefore, it has been classified as a Variant of Uncertain Significance.

NM_000059.4(BRCA2):c.9884A>G (p.Gln3295Arg)

Gene: BRCA2 (BRCA2 DNA repair associated; plus strand). Cytogenetic location: 13q13.1.
Variant type: single nucleotide variant.
Coding change: c.9884A>G on transcript NM_000059.4 (MANE Select); coding-DNA position 9884, A replaced by G.
Protein change: p.Gln3295Arg; replaces glutamine 3295 with arginine.
Molecular consequence: missense variant. On other transcripts: non-coding transcript variant (1).
Genome position (GRCh38, 1-based): chr13:32,398,397, A>G. VCF-style: chr13-32398397-A-G. GRCh37 (hg19) VCF-style: chr13-32972534-A-G.
Other names: c.9788A>G, p.Gln3263Arg (NM_001406719.1); c.9833A>G, p.Gln3278Arg (NM_001406720.1); c.4952A>G, p.Gln1651Arg (NM_001406721.1); c.3467A>G, p.Gln1156Arg (NM_001406722.1); short protein forms Q3295R, Q1651R, Q3278R, Q1156R, Q3263R.
Identifiers: ClinVar variation 2754925 (VCV002754925.3), dbSNP rs1346315597, ClinGen allele CA387766744.
Genomic context (GRCh38, chr13:32,398,397, plus strand): 5'-GTAGACTGCCTTTACCTCCACCTGTTAGTCCCATTTGTACATTTGTTTCTCCGGCTGCAC[A>G]GAAGGCATTTCAGCCACCAAGGAGTTGTGGCACCAAATACGAAACACCCATAAAGAAAAA-3'
Protein context (NP_000050.3, residues 3285-3305): PICTFVSPAA[Gln3295Arg]KAFQPPRSCG